The following is an entry in ClinVar:

NM_005120.3(MED12):c.4069C>T (p.Arg1357Cys)

Gene: MED12 (mediator complex subunit 12; plus strand). Cytogenetic location: Xq13.1.
Variant type: single nucleotide variant.
Coding change: c.4069C>T on transcript NM_005120.3 (MANE Select); coding-DNA position 4069, C replaced by T.
Protein change: p.Arg1357Cys; replaces arginine 1357 with cysteine.
Molecular consequence: missense variant.
Genome position (GRCh38, 1-based): chrX:71,131,571, C>T. VCF-style: chrX-71131571-C-T. GRCh37 (hg19) VCF-style: chrX-70351421-C-T.
Other names: short protein forms R1357C.
Identifiers: ClinVar variation 3064428 (VCV003064428.5), dbSNP rs1474736821, ClinGen allele CA413524868.

ClinVar aggregate classification (germline): Conflicting classifications of pathogenicity. Review status: criteria provided, conflicting classifications (1 of 4 stars). 3 submissions from 3 submitters: Likely pathogenic (2); Uncertain significance (1). Last evaluated 2025-10-14.

Conditions:
FG syndrome (FGS). Identifiers: MedGen C0220769, MONDO:0002010.
FG syndrome 1 (OKS). Also called: OPITZ-KAVEGGIA SYNDROME; KELLER SYNDROME; MENTAL RETARDATION, LARGE HEAD, IMPERFORATE ANUS, CONGENITAL HYPOTONIA, AND PARTIAL AGENESIS OF CORPUS CALLOSUM; FG Syndrome Type 1 (FGS1). Identifiers: Orphanet 93932, MedGen C5399762, MONDO:0010590, OMIM 305450.

Allele frequency attached by ClinVar (database versions not stated): gnomAD exomes below 0.00001.
gnomAD v4.1: 1 of 1,210,664 alleles (0.000083%); highest among the groups gnomAD compares: Non-Finnish European, 0.00011%; no homozygotes.

Submissions (3):

GeneDx
Classification: Likely pathogenic. Last evaluated: 2025-10-14. Review status: criteria provided, single submitter. Criteria: GeneDx Variant Classification Process June 2021. Collection method: clinical testing. Allele origin: germline.
Comment: Not observed at significant frequency in large population cohorts (gnomAD); In silico analysis supports that this missense variant has a deleterious effect on protein structure/function; Has not been previously published as pathogenic or benign to our knowledge; This variant is associated with the following publications: (PMID: 33244165)

Labcorp Genetics (formerly Invitae), Labcorp
Classification: Likely pathogenic for FG syndrome. Last evaluated: 2025-03-30. Review status: criteria provided, single submitter. Criteria: Invitae Variant Classification Sherloc (09022015). Collection method: clinical testing. Allele origin: germline.
Comment: This sequence change replaces arginine, which is basic and polar, with cysteine, which is neutral and slightly polar, at codon 1357 of the MED12 protein (p.Arg1357Cys). This variant is present in population databases (no rsID available, gnomAD 0.001%). This variant has not been reported in the literature in individuals affected with MED12-related conditions. ClinVar contains an entry for this variant (Variation ID: 3064428). Invitae Evidence Modeling of protein sequence and biophysical properties (such as structural, functional, and spatial information, amino acid conservation, physicochemical variation, residue mobility, and thermodynamic stability) indicates that this missense variant is expected to disrupt MED12 protein function with a positive predictive value of 95%. This variant disrupts the p.Arg1357 amino acid residue in MED12. Other variant(s) that disrupt this residue have been determined to be pathogenic (PMID: 33244165). This suggests that this residue is clinically significant, and that variants that disrupt this residue are likely to be disease-causing. In summary, the currently available evidence indicates that the variant is pathogenic, but additional data are needed to prove that conclusively. Therefore, this variant has been classified as Likely Pathogenic.

Genomic Medicine Center of Excellence, King Faisal Specialist Hospital and Research Centre
Classification: Uncertain significance for FG syndrome 1. Last evaluated: 2024-03-25. Review status: criteria provided, single submitter. Criteria: ACMG Guidelines, 2015. Collection method: research. Allele origin: germline.

Literature cited by the submitters: PubMed 33244165 (cited by Labcorp Genetics (formerly Invitae), Labcorp).